The following is an entry in ClinVar:

ClinVar aggregate classification (germline): Likely benign. Review status: criteria provided, multiple submitters, no conflicts (2 of 4 stars). 3 submissions from 3 submitters: Likely benign (3). Last evaluated 2026-01-31.

Conditions:
Oligodontia-cancer predisposition syndrome. Also called: TOOTH AGENESIS-COLORECTAL CANCER SYNDROME. Identifiers: Orphanet 300576, MedGen C1837750, MONDO:0012075, OMIM 608615. Disease mechanism: loss of function.

Allele frequency attached by ClinVar (database versions not stated): TOPMed below 0.00001; ExAC 0.00001.
gnomAD v4.1: 8 of 1,614,196 alleles (0.0005%); highest among the groups gnomAD compares: Middle Eastern, 0.017%; no homozygotes.

Submissions (3):

Labcorp Genetics (formerly Invitae), Labcorp
Classification: Likely benign for Oligodontia-cancer predisposition syndrome. Last evaluated: 2026-01-31. Review status: criteria provided, single submitter. Criteria: Invitae Variant Classification Sherloc (09022015). Collection method: clinical testing. Allele origin: germline.

Myriad Genetics, Inc.
Classification: Likely benign for Oligodontia-cancer predisposition syndrome. Last evaluated: 2024-07-01. Review status: criteria provided, single submitter. Criteria: Myriad Autosomal Dominant, Autosomal Recessive and X-Linked Classification Criteria (2023). Collection method: clinical testing. Allele origin: unknown.
Comment: This variant is considered likely benign. This variant is intronic and is not expected to impact mRNA splicing.

GeneDx
Classification: Likely benign. Last evaluated: 2016-09-06. Review status: criteria provided, single submitter. Criteria: GeneDx Variant Classification (06012015). Collection method: clinical testing. Allele origin: germline. Affected: yes.
Comment: This variant is considered likely benign or benign based on one or more of the following criteria: it is a conservative change, it occurs at a poorly conserved position in the protein, it is predicted to be benign by multiple in silico algorithms, and/or has population frequency not consistent with disease.

NM_004655.4(AXIN2):c.1200+9G>T

Gene: AXIN2 (axin 2; minus strand). Cytogenetic location: 17q24.1.
Variant type: single nucleotide variant.
Coding change: c.1200+9G>T on transcript NM_004655.4 (MANE Select); 9 bases into the intron after coding-DNA position 1200, G replaced by T.
Molecular consequence: intron variant.
Genome position (GRCh38, 1-based): chr17:65,538,194, C>A on the plus strand (G>T on the coding strand, the complement: AXIN2 is on the minus strand). VCF-style: chr17-65538194-C-A. GRCh37 (hg19) VCF-style: chr17-63534312-C-A.
Other names: c.1200+9G>T (NM_001363813.1, LRG_296t1).
Identifiers: ClinVar variation 389212 (VCV000389212.10), dbSNP rs768410635, ClinGen allele CA8718831.
Genomic context (GRCh38, chr17:65,538,194, plus strand): 5'-CACATGCGCATACACATACGAGCGCTCACGCCGTGGACGGAAGCAGGAAGAAGGCCTAGG[C>A]CGCATTACCTCTCGGATCTGCTGCAGGCGCTCCTCCAGGCTGTGGCGGCTCTCCAACTCC-3'